The following is an entry in ClinVar:

NM_005744.5(ARIH1):c.65G>T (p.Ser22Ile)

Gene: ARIH1 (ariadne RBR E3 ubiquitin protein ligase 1; plus strand). Cytogenetic location: 15q24.1.
Variant type: single nucleotide variant.
Coding change: c.65G>T on transcript NM_005744.5 (MANE Select); coding-DNA position 65, G replaced by T.
Protein change: p.Ser22Ile; replaces serine 22 with isoleucine.
Molecular consequence: missense variant.
Genome position (GRCh38, 1-based): chr15:72,474,704, G>T. VCF-style: chr15-72474704-G-T. GRCh37 (hg19) VCF-style: chr15-72767045-G-T.
Other names: short protein forms S22I.
Identifiers: ClinVar variation 3662452 (VCV003662452.2).

ClinVar aggregate classification (germline): Uncertain significance (1 of 4 stars; one submission).

Submission:

Labcorp Genetics (formerly Invitae), Labcorp
Classification: Uncertain significance. Last evaluated: 2024-08-14. Review status: criteria provided, single submitter. Criteria: Invitae Variant Classification Sherloc (09022015). Collection method: clinical testing. Allele origin: germline.
Comment: This sequence change replaces serine, which is neutral and polar, with isoleucine, which is neutral and non-polar, at codon 22 of the ARIH1 protein (p.Ser22Ile). This variant is not present in population databases (gnomAD no frequency). This variant has not been reported in the literature in individuals affected with ARIH1-related conditions. Experimental studies and prediction algorithms are not available or were not evaluated, and the functional significance of this variant is currently unknown. In summary, the available evidence is currently insufficient to determine the role of this variant in disease. Therefore, it has been classified as a Variant of Uncertain Significance.